The following is an entry in ClinVar:

ClinVar aggregate classification (germline): Uncertain significance (1 of 4 stars; one submission).

Conditions:
Charcot-Marie-Tooth disease axonal type 2O. Also called: Charcot-Marie-Tooth disease, axonal, type 20; CHARCOT-MARIE-TOOTH NEUROPATHY, AXONAL, TYPE 2O; CHARCOT-MARIE-TOOTH DISEASE, AXONAL, AUTOSOMAL DOMINANT, TYPE 2O; Charcot-Marie-Tooth Neuropathy Type 2O. Identifiers: Orphanet 284232, MedGen C3280220, MONDO:0013644, OMIM 614228.

Submission:

Labcorp Genetics (formerly Invitae), Labcorp
Classification: Uncertain significance for Charcot-Marie-Tooth disease axonal type 2O. Last evaluated: 2024-08-08. Review status: criteria provided, single submitter. Criteria: Invitae Variant Classification Sherloc (09022015). Collection method: clinical testing. Allele origin: germline.
Comment: This sequence change replaces lysine, which is basic and polar, with arginine, which is basic and polar, at codon 671 of the DYNC1H1 protein (p.Lys671Arg). This variant is not present in population databases (gnomAD no frequency). This variant has not been reported in the literature in individuals affected with DYNC1H1-related conditions. Advanced modeling of protein sequence and biophysical properties (such as structural, functional, and spatial information, amino acid conservation, physicochemical variation, residue mobility, and thermodynamic stability) performed at Invitae indicates that this missense variant is not expected to disrupt DYNC1H1 protein function with a negative predictive value of 95%. In summary, the available evidence is currently insufficient to determine the role of this variant in disease. Therefore, it has been classified as a Variant of Uncertain Significance.

NM_001376.5(DYNC1H1):c.2012A>G (p.Lys671Arg)

Gene: DYNC1H1 (dynein cytoplasmic 1 heavy chain 1; plus strand). Cytogenetic location: 14q32.31.
Variant type: single nucleotide variant.
Coding change: c.2012A>G on transcript NM_001376.5 (MANE Select); coding-DNA position 2012, A replaced by G.
Protein change: p.Lys671Arg; replaces lysine 671 with arginine.
Molecular consequence: missense variant.
Genome position (GRCh38, 1-based): chr14:101,986,237, A>G. VCF-style: chr14-101986237-A-G. GRCh37 (hg19) VCF-style: chr14-102452574-A-G.
Other names: short protein forms K671R.
Identifiers: ClinVar variation 3636122 (VCV003636122.2).